The following is an entry in ClinVar:

ClinVar aggregate classification (germline): Pathogenic (1 of 4 stars; one submission).

Conditions:
Atransferrinemia. Also called: Familial hypotransferrinemia. Identifiers: Orphanet 1195, MedGen C0521802, MONDO:0008846, OMIM 209300, HP:0012239.

gnomAD v4.1: 5 of 1,614,102 alleles (0.00031%); highest among the groups gnomAD compares: Admixed American, 0.005%; no homozygotes.

Submission:

Myriad Genetics, Inc.
Classification: Pathogenic for Atransferrinemia. Last evaluated: 2024-11-28. Review status: criteria provided, single submitter. Criteria: Myriad Autosomal Dominant, Autosomal Recessive and X-Linked Classification Criteria (2023). Collection method: clinical testing. Allele origin: unknown.
Comment: NM_001063.3(TF):c.1436G>A(W479*) is expected to be pathogenic in the context of atransferrinemia. This variant is predicted to lead to an abnormal or absent protein product due to the creation of a premature termination codon in TF, a gene where loss-of-function variants are known to be pathogenic. Please note: this variant was assessed in the context of healthy population screening.

NM_001063.4(TF):c.1436G>A (p.Trp479Ter)

Gene: TF (transferrin; plus strand). Cytogenetic location: 3q22.1.
Variant type: single nucleotide variant.
Coding change: c.1436G>A on transcript NM_001063.4 (MANE Select); coding-DNA position 1436, G replaced by A.
Protein change: p.Trp479Ter; replaces tryptophan 479 with a stop codon.
Molecular consequence: nonsense.
Genome position (GRCh38, 1-based): chr3:133,766,383, G>A. VCF-style: chr3-133766383-G-A. GRCh37 (hg19) VCF-style: chr3-133485227-G-A.
Other names: c.1304G>A, p.Trp435Ter (NM_001354703.2); c.1055G>A, p.Trp352Ter (NM_001354704.2); short protein forms W352*, W435*, W479*.
Identifiers: ClinVar variation 5013823 (VCV005013823.1).
Genomic context (GRCh38, chr3:133,766,383, plus strand): 5'-CCTGGGACAATCTGAAAGGCAAGAAGTCCTGCCATACGGCAGTTGGCAGAACCGCTGGCT[G>A]GAACATCCCCATGGGCCTGCTCTACAATAAGATCAACCACTGCAGATTTGGTGAGTGAAT-3'